The following is an entry in ClinVar:

ClinVar aggregate classification (germline): Likely pathogenic (1 of 4 stars; one submission).

Submission:

Dasa
Classification: Likely pathogenic. Last evaluated: 2025-02-12. Review status: criteria provided, single submitter. Criteria: DASA Assertion Criteria. Collection method: clinical testing. Allele origin: germline.
Comment: NM_003590.5(CUL3):c.869dup (p.Asn290Lysfs*15) is a frameshift variant in CUL3 predicted to alter the reading frame and introduce a premature termination codon and is predicted to result in an absent or altered protein product. Loss of function is an established disease mechanism for CUL3-associated disorders. Also, this variant is absent from population databases. Based on the currently available evidence, this variant is classified as likely pathogenic.

NM_003590.5(CUL3):c.869dup (p.Asn290fs)

Gene: CUL3 (cullin 3; minus strand). Cytogenetic location: 2q36.2.
Variant type: Duplication.
Coding change: c.869dup on transcript NM_003590.5 (MANE Select); coding-DNA position 869, one base duplicated (A; older notation c.869dupA).
Protein change: p.Asn290fs; shifts the reading frame from asparagine 290.
Molecular consequence: frameshift variant.
Genome position (GRCh38, 1-based): chr2:224,511,368, T duplicated on the plus strand (A on the coding strand, the reverse complement: CUL3 is on the minus strand); the first of 5 consecutive T bases (chr2:224,511,368-224,511,372); duplicating any one gives the same sequence. VCF-style (leftmost placement, unchanged base first): chr2-224511367-A-AT. GRCh37 (hg19) VCF-style: chr2-225376084-A-AT.
Other names: c.671dup, p.Asn224fs (NM_001257197.2); c.887dup, p.Asn296fs (NM_001257198.2); short protein forms N224fs, N290fs, N296fs.
Identifiers: ClinVar variation 4886454 (VCV004886454.2).